The following is an entry in ClinVar:

ClinVar aggregate classification (germline): Uncertain significance. Review status: criteria provided, multiple submitters, no conflicts (2 of 4 stars). 2 submissions from 2 submitters: Uncertain significance (2). Last evaluated 2025-10-29.

Conditions:
Arrhythmogenic right ventricular dysplasia 10. Also called: ARRHYTHMOGENIC RIGHT VENTRICULAR DYSPLASIA, FAMILIAL, 10; Arrhythmogenic Right Ventricular Dysplasia/Cardiomyopathy10; Arrhythmogenic right ventricular dysplasia/cardiomyopathy, type 10. Identifiers: MedGen C1857777, MONDO:0012434, OMIM 610193.
Arrhythmogenic right ventricular cardiomyopathy (ARVD). Also called: Arrhythmogenic right ventricular dysplasia; Cardiomyopathy, ARVC; Arrhythmogenic cardiomyopathy; Arrhythmogenic Right Ventricular Cardiomyopathy (ARVC). Identifiers: Orphanet 247, MedGen C0349788, MeSH D019571, MONDO:0016587. Disease mechanism: loss of function. Inheritance: Various modes of inheritance.

Submissions (2):

Labcorp Genetics (formerly Invitae), Labcorp
Classification: Uncertain significance for Arrhythmogenic right ventricular dysplasia 10. Last evaluated: 2025-10-29. Review status: criteria provided, single submitter. Criteria: Invitae Variant Classification Sherloc (09022015). Collection method: clinical testing. Allele origin: germline.
Comment: This sequence change replaces valine, which is neutral and non-polar, with isoleucine, which is neutral and non-polar, at codon 485 of the DSG2 protein (p.Val485Ile). This variant is not present in population databases (gnomAD no frequency). This variant has not been reported in the literature in individuals affected with DSG2-related conditions. ClinVar contains an entry for this variant (Variation ID: 3386586). Invitae Evidence Modeling of protein sequence and biophysical properties (such as structural, functional, and spatial information, amino acid conservation, physicochemical variation, residue mobility, and thermodynamic stability) indicates that this missense variant is not expected to disrupt DSG2 protein function with a negative predictive value of 95%. In summary, the available evidence is currently insufficient to determine the role of this variant in disease. Therefore, it has been classified as a Variant of Uncertain Significance.

All of Us Research Program, National Institutes of Health
Classification: Uncertain significance for Arrhythmogenic right ventricular cardiomyopathy. Last evaluated: 2024-03-05. Review status: criteria provided, single submitter. Criteria: ACMG Guidelines, 2015. Collection method: clinical testing. Allele origin: germline. Inheritance: Autosomal dominant inheritance. Observed: 1 variant allele, 1 heterozygote.
Comment: This study involves interpretation of variants in research participants for the purpose of population health screening. Participant phenotype was not available at the time of variant classification. Additional details can be found in publication PMID: 35346344, PMCID: PMC8962531

NM_001943.5(DSG2):c.1453G>A (p.Val485Ile)

Gene: DSG2 (desmoglein 2; plus strand). Cytogenetic location: 18q12.1.
Variant type: single nucleotide variant.
Coding change: c.1453G>A on transcript NM_001943.5 (MANE Select); coding-DNA position 1453, G replaced by A.
Protein change: p.Val485Ile; replaces valine 485 with isoleucine.
Molecular consequence: missense variant.
Genome position (GRCh38, 1-based): chr18:31,536,231, G>A. VCF-style: chr18-31536231-G-A. GRCh37 (hg19) VCF-style: chr18-29116194-G-A.
Other names: short protein forms V485I.
Identifiers: ClinVar variation 3386586 (VCV003386586.2).